The following is an entry in ClinVar:

NM_006514.4(SCN10A):c.4775_4776dup (p.Ile1593fs)

Gene: SCN10A (sodium voltage-gated channel alpha subunit 10; minus strand). Cytogenetic location: 3p22.2.
Variant type: Duplication.
Coding change: c.4775_4776dup on transcript NM_006514.4 (MANE Select); coding-DNA positions 4775 to 4776, 2 bases duplicated (GG; older notation c.4775_4776dupGG).
Protein change: p.Ile1593fs; shifts the reading frame from isoleucine 1593.
Molecular consequence: frameshift variant.
Genome position (GRCh38, 1-based): chr3:38,698,444-38,698,445, CC duplicated on the plus strand (GG on the coding strand, the reverse complement: SCN10A is on the minus strand); duplicating any 2 consecutive bases within chr3:38,698,444-38,698,447 gives the same sequence; the c. name uses the placement nearest the transcript's 3' end. VCF-style (leftmost placement, unchanged base first): chr3-38698443-T-TCC. GRCh37 (hg19) VCF-style: chr3-38739934-T-TCC.
Other names: c.4772_4773dup, p.Ile1592fs (NM_001293306.2); c.4481_4482dup, p.Ile1495fs (NM_001293307.2); c.4775_4776dupGG (NM_006514.2); short protein forms I1593fs, I1495fs, I1592fs.
Identifiers: ClinVar variation 504372 (VCV000504372.11), dbSNP rs1191414961, ClinGen allele CA542615779.

ClinVar aggregate classification (germline): Uncertain significance. Review status: criteria provided, multiple submitters, no conflicts (2 of 4 stars). 4 submissions from 4 submitters: Uncertain significance (4). Last evaluated 2025-12-24.

Conditions:
Cardiovascular phenotype. Identifiers: MedGen CN230736.
Episodic pain syndrome, familial, 2 (FEPS2). Identifiers: Orphanet 306577, MedGen C3809893, MONDO:0014246, OMIM 615551.
Brugada syndrome. Also called: Sudden unexpected nocturnal death syndrome; Sudden unexplained nocturnal death syndrome; Sudden Unexplained Nocturnal Death Syndrome (SUNDS); Sudden Unexplained Death Syndrome. Identifiers: Orphanet 130, MedGen C1142166, MONDO:0015263.

Submissions (4):

Labcorp Genetics (formerly Invitae), Labcorp
Classification: Uncertain significance for Brugada syndrome. Last evaluated: 2025-12-24. Review status: criteria provided, single submitter. Criteria: Invitae Variant Classification Sherloc (09022015). Collection method: clinical testing. Allele origin: germline.
Comment: This sequence change creates a premature translational stop signal (p.Ile1593Glyfs*10) in the SCN10A gene. While this is not anticipated to result in nonsense mediated decay, it is expected to disrupt the last 364 amino acid(s) of the SCN10A protein. This variant is present in population databases (no rsID available, gnomAD 0.008%). This premature translational stop signal has been observed in individual(s) with clinical features of SCN10A-related conditions (PMID: 26733327). This variant is also known as c.4776_4777insGG. ClinVar contains an entry for this variant (Variation ID: 504372). Experimental studies and prediction algorithms are not available or were not evaluated, and the functional significance of this variant is currently unknown. In summary, the available evidence is currently insufficient to determine the role of this variant in disease. Therefore, it has been classified as a Variant of Uncertain Significance.

Ambry Genetics
Classification: Uncertain significance for Cardiovascular phenotype. Last evaluated: 2025-01-15. Review status: criteria provided, single submitter. Criteria: Ambry Variant Classification Scheme 2023. Collection method: clinical testing. Allele origin: germline.
Comment: The c.4775_4776dupGG variant, located in coding exon 27 of the SCN10A gene, results from a duplication of GG at nucleotide position 4775, causing a translational frameshift with a predicted alternate stop codon (p.I1593Gfs*10). This alteration occurs at the 3' terminus of theSCN10A gene, is not expected to trigger nonsense-mediated mRNAdecay, and only impacts the last 364 amino acids of the protein. The exact functional effect of this alteration is unknown. In addition, loss of function of SCN10A has not been clearly established as a mechanism of disease. The evidence for this gene-disease relationship is limited; therefore, the clinical significance of this alteration is unclear.

Fulgent Genetics
Classification: Uncertain significance for Episodic pain syndrome, familial, 2. Last evaluated: 2022-02-02. Review status: criteria provided, single submitter. Criteria: ACMG Guidelines, 2015. Collection method: clinical testing. Allele origin: unknown.

GeneDx
Classification: Uncertain significance. Last evaluated: 2020-11-13. Review status: criteria provided, single submitter. Criteria: GeneDx Variant Classification Process June 2021. Collection method: clinical testing. Allele origin: germline. Affected: yes.
Comment: Has not been previously published as pathogenic or benign to our knowledge; Not observed at a significant frequency in large population cohorts (Lek et al., 2016); Frameshift variant predicted to result in protein truncation in a gene for which loss-of-function is not a known mechanism of disease

Literature cited by the submitters: PubMed 26733327 (cited by Labcorp Genetics (formerly Invitae), Labcorp).